The following is an entry in ClinVar:

ClinVar aggregate classification (germline): Likely benign. Review status: criteria provided, multiple submitters, no conflicts (2 of 4 stars). 2 submissions from 2 submitters: Likely benign (2). Last evaluated 2024-03-01.

Allele frequency attached by ClinVar (database versions not stated): gnomAD exomes 0.00003; ExAC 0.00004.
gnomAD v4.1: 28 of 1,614,004 alleles (0.0017%); highest among the groups gnomAD compares: South Asian, 0.0055%; no homozygotes.

Submissions (2):

CeGaT Center for Human Genetics Tuebingen
Classification: Likely benign. Last evaluated: 2024-03-01. Review status: criteria provided, single submitter. Criteria: CeGaT Center For Human Genetics Tuebingen Variant Classification Criteria Version 2. Collection method: clinical testing. Allele origin: germline. Affected: yes. Observed: 1 variant allele.
Comment: VLDLR: BP4, BP7

GeneDx
Classification: Likely benign. Last evaluated: 2020-10-29. Review status: criteria provided, single submitter. Criteria: GeneDx Variant Classification Process June 2021. Collection method: clinical testing. Allele origin: germline. Affected: yes.

NM_003383.5(VLDLR):c.1134C>T (p.Tyr378=)

Gene: VLDLR (very low density lipoprotein receptor; plus strand). Cytogenetic location: 9p24.2.
Variant type: single nucleotide variant.
Coding change: c.1134C>T on transcript NM_003383.5 (MANE Select); coding-DNA position 1134, C replaced by T.
Protein change: p.Tyr378=; no amino-acid change (tyrosine 378 retained).
Molecular consequence: synonymous variant.
Genome position (GRCh38, 1-based): chr9:2,644,801, C>T. VCF-style: chr9-2644801-C-T. GRCh37 (hg19) VCF-style: chr9-2644801-C-T.
Other names: c.1134C>T, p.Tyr378= (NM_001018056.3); c.1011C>T, p.Tyr337= (NM_001322225.2, NM_001322226.2).
Identifiers: ClinVar variation 1218494 (VCV001218494.24), dbSNP rs757143381, ClinGen allele CA4964750.